The following is an entry in ClinVar:

NC_000023.10:g.(?_68836133)_(69255479_?)del

Gene: EDA (ectodysplasin A; plus strand). Cytogenetic location: Xq13.1.
Variant type: Deletion.
Identifiers: ClinVar variation 528363 (VCV000528363.1).

ClinVar aggregate classification (germline): Pathogenic (1 of 4 stars; one submission).

Conditions:
Hypohidrotic X-linked ectodermal dysplasia (XHED). Also called: ECTODERMAL DYSPLASIA, HYPOHIDROTIC, 1; CST SYNDROME; ECTODERMAL DYSPLASIA 1; Ectodermal Dysplasia 1, Anhidrotic; Christ-Siemans-Touraine syndrome; Anhidrotic ectodermal dysplasia X-linked. Identifiers: Orphanet 181, Orphanet 238468, MedGen C0162359, MONDO:0010585, OMIM 305100.

Submission:

Labcorp Genetics (formerly Invitae), Labcorp
Classification: Pathogenic for Hypohidrotic X-linked ectodermal dysplasia. Last evaluated: 2018-02-26. Review status: criteria provided, single submitter. Criteria: Invitae Variant Classification Sherloc (09022015). Collection method: clinical testing. Allele origin: germline.
Comment: A gross deletion of the genomic region encompassing the full coding sequence of the EDA gene has been identified. The boundaries of this event are unknown as the deletion extends beyond the assayed region for this gene and therefore may encompass additional genes. Whole gene deletions encompassing the EDA gene has been reported in an individual affected with ectodermal dysplasia (PMID: 11378824). However, based on the methods described in this paper, it is unclear if this event encompassed the entire gene, nor whether it included additional neighboring genes. Loss-of-function variants in EDA are known to be pathogenic (PMID: 9683615). For these reasons, this variant has been classified as Pathogenic.

Literature cited by the submitters: PubMed 11378824.